The following is an entry in ClinVar:

NM_001035.3(RYR2):c.13477-206C>T

Gene: RYR2 (ryanodine receptor 2; plus strand). Cytogenetic location: 1q43.
Variant type: single nucleotide variant.
Coding change: c.13477-206C>T on transcript NM_001035.3 (MANE Select); 206 bases into the intron before coding-DNA position 13477, C replaced by T.
Molecular consequence: intron variant.
Genome position (GRCh38, 1-based): chr1:237,791,223, C>T. VCF-style: chr1-237791223-C-T. GRCh37 (hg19) VCF-style: chr1-237954523-C-T.
Identifiers: ClinVar variation 673874 (VCV000673874.1), dbSNP rs114111854, ClinGen allele CA39831786.
Genomic context (GRCh38, chr1:237,791,223, plus strand): 5'-TAACCCGATGTAGTTTTCTTCTTAGCATTTAACATTCTCTGAAATTATGTTTTTCACTTG[C>T]GGGTATGCTTTTTTATTCTTTGTCTCCTCCATGGTGGCAGAAATGTTCTCCCTCACTTTT-3'

ClinVar aggregate classification (germline): Likely benign (1 of 4 stars; one submission).

Allele frequency attached by ClinVar (database versions not stated): TOPMed 0.03610; 1000 Genomes Project 30x 0.04435; 1000 Genomes Project 0.04573.
gnomAD v4.1: 5,427 of 152,196 alleles (3.6%); highest among the groups gnomAD compares: Middle Eastern, 11%; 108 homozygotes.

Submission:

GeneDx
Classification: Likely benign. Last evaluated: 2018-06-14. Review status: criteria provided, single submitter. Criteria: GeneDx Variant Classification (06012015). Collection method: clinical testing. Allele origin: germline. Affected: yes.
Comment: This variant is considered likely benign or benign based on one or more of the following criteria: it is a conservative change, it occurs at a poorly conserved position in the protein, it is predicted to be benign by multiple in silico algorithms, and/or has population frequency not consistent with disease.